The following is an entry in ClinVar:

NM_001101426.4(CRPPA):c.483del (p.Phe161fs)

Gene: CRPPA (CDP-L-ribitol pyrophosphorylase A; minus strand). Cytogenetic location: 7p21.2.
Variant type: Deletion.
Coding change: c.483del on transcript NM_001101426.4 (MANE Select); coding-DNA position 483, one base deleted (T; older notation c.483delT).
Protein change: p.Phe161fs; shifts the reading frame from phenylalanine 161.
Molecular consequence: frameshift variant. On other transcripts: non-coding transcript variant (1).
Genome position (GRCh38, 1-based): chr7:16,406,112, A deleted on the plus strand (T on the coding strand, the reverse complement: CRPPA is on the minus strand); the first of 3 consecutive A bases (chr7:16,406,112-16,406,114); deleting any one gives the same sequence. VCF-style (leftmost placement, unchanged base first): chr7-16406111-CA-C. GRCh37 (hg19) VCF-style: chr7-16445736-CA-C.
Other names: c.483del, p.Phe161fs (NM_001101417.4, NM_001368197.1); short protein forms F161fs.
Identifiers: ClinVar variation 3756744 (VCV003756744.2).

ClinVar aggregate classification (germline): Pathogenic (1 of 4 stars; one submission).

Conditions:
Muscular dystrophy-dystroglycanopathy (congenital with brain and eye anomalies), type A, 7. Also called: WALKER-WARBURG SYNDROME OR MUSCLE-EYE-BRAIN DISEASE, ISPD-RELATED; Congenital muscular dystrophy-dystroglycanopathy with brain and eye anomalies, type A7. Identifiers: Orphanet 899, MedGen C3553330, MONDO:0013835, OMIM 614643.
Autosomal recessive limb-girdle muscular dystrophy type 2U. Also called: Muscular dystrophy-dystroglycanopathy (limb-girdle), type c, 7; MUSCULAR DYSTROPHY, LIMB-GIRDLE, TYPE 2U. Identifiers: Orphanet 352479, MedGen C5190987, MONDO:0014474, OMIM 616052.

Submission:

Labcorp Genetics (formerly Invitae), Labcorp
Classification: Pathogenic for Muscular dystrophy-dystroglycanopathy (congenital with brain and eye anomalies), type A, 7; Autosomal recessive limb-girdle muscular dystrophy type 2U. Last evaluated: 2024-06-15. Review status: criteria provided, single submitter. Criteria: Invitae Variant Classification Sherloc (09022015). Collection method: clinical testing. Allele origin: germline.
Comment: This sequence change creates a premature translational stop signal (p.Phe161Leufs*39) in the ISPD gene. It is expected to result in an absent or disrupted protein product. Loss-of-function variants in ISPD are known to be pathogenic (PMID: 23288328). This variant is not present in population databases (gnomAD no frequency). This variant has not been reported in the literature in individuals affected with ISPD-related conditions. For these reasons, this variant has been classified as Pathogenic.

Literature cited by the submitters: PubMed 23288328.